The following is an entry in ClinVar:

ClinVar aggregate classification (germline): Pathogenic (1 of 4 stars; one submission).

Submission:

Labcorp Genetics (formerly Invitae), Labcorp
Classification: Pathogenic. Last evaluated: 2025-09-03. Review status: criteria provided, single submitter. Criteria: Invitae Variant Classification Sherloc (09022015). Collection method: clinical testing. Allele origin: germline.
Comment: This sequence change creates a premature translational stop signal (p.Trp12*) in the ABCA4 gene. It is expected to result in an absent or disrupted protein product. Loss-of-function variants in ABCA4 are known to be pathogenic (PMID: 10958761, 24938718, 25312043, 26780318). This variant is not present in population databases (gnomAD no frequency). This premature translational stop signal has been observed in individual(s) with Stargardt disease (PMID: 35120629). For these reasons, this variant has been classified as Pathogenic.

Literature cited by the submitters: PubMed 10958761; PubMed 24938718; PubMed 25312043; PubMed 26780318; PubMed 35120629.

NM_000350.3(ABCA4):c.35G>A (p.Trp12Ter)

Gene: ABCA4 (ATP binding cassette subfamily A member 4; minus strand). Cytogenetic location: 1p22.1.
Variant type: single nucleotide variant.
Coding change: c.35G>A on transcript NM_000350.3 (MANE Select); coding-DNA position 35, G replaced by A.
Protein change: p.Trp12Ter; replaces tryptophan 12 with a stop codon.
Molecular consequence: nonsense.
Genome position (GRCh38, 1-based): chr1:94,121,011, C>T on the plus strand (G>A on the coding strand, the complement: ABCA4 is on the minus strand). VCF-style: chr1-94121011-C-T. GRCh37 (hg19) VCF-style: chr1-94586567-C-T.
Other names: c.35G>A, p.Trp12Ter (NM_001425324.1); short protein forms W12*.
Identifiers: ClinVar variation 4726575 (VCV004726575.1).
Genomic context (GRCh38, chr1:94,121,011, plus strand): 5'-ATTTTTAAACCACAGACAGTAACTGTTACCTTTTGCCTTTTCCGCAGGGTCCAGTTCTTC[C>T]AGAGCAAAAGCTGTATCTGTCTCACGAAGCCCATGCTAATGACCACACGAAGACCAGATT-3'